The following is an entry in ClinVar:

NM_015965.7(NDUFA13):c.208G>A (p.Ala70Thr)

Gene: NDUFA13 (NADH:ubiquinone oxidoreductase subunit A13; plus strand). Cytogenetic location: 19p13.11.
Variant type: single nucleotide variant.
Coding change: c.208G>A on transcript NM_015965.7 (MANE Select); coding-DNA position 208, G replaced by A.
Protein change: p.Ala70Thr; replaces alanine 70 with threonine.
Molecular consequence: missense variant.
Genome position (GRCh38, 1-based): chr19:19,527,315, G>A. VCF-style: chr19-19527315-G-A. GRCh37 (hg19) VCF-style: chr19-19638124-G-A.
Other names: c.208G>A (NM_015965.6); short protein forms A70T.
Identifiers: ClinVar variation 2070330 (VCV002070330.3), dbSNP rs755556354, ClinGen allele CA9327746.

ClinVar aggregate classification (germline): Uncertain significance. Review status: criteria provided, multiple submitters, no conflicts (2 of 4 stars). 2 submissions from 2 submitters: Uncertain significance (2). Last evaluated 2025-09-04.

Conditions:
Inborn genetic diseases. Identifiers: MedGen C0950123, MeSH D030342.

Allele frequency attached by ClinVar (database versions not stated): gnomAD exomes 0.00002; TOPMed 0.00003; gnomAD 0.00004.
gnomAD v4.1: 41 of 1,613,964 alleles (0.0025%); highest among the groups gnomAD compares: Admixed American, 0.047%; no homozygotes.

Submissions (2):

Ambry Genetics
Classification: Uncertain significance for Inborn genetic diseases. Last evaluated: 2025-09-04. Review status: criteria provided, single submitter. Criteria: Ambry Variant Classification Scheme 2023. Collection method: clinical testing. Allele origin: germline.

Labcorp Genetics (formerly Invitae), Labcorp
Classification: Uncertain significance. Last evaluated: 2022-10-18. Review status: criteria provided, single submitter. Criteria: Invitae Variant Classification Sherloc (09022015). Collection method: clinical testing. Allele origin: germline.
Comment: This variant has not been reported in the literature in individuals affected with NDUFA13-related conditions. In summary, the available evidence is currently insufficient to determine the role of this variant in disease. Therefore, it has been classified as a Variant of Uncertain Significance. Algorithms developed to predict the effect of missense changes on protein structure and function are either unavailable or do not agree on the potential impact of this missense change (SIFT: "Deleterious"; PolyPhen-2: "Benign"; Align-GVGD: "Class C0"). This variant is present in population databases (rs755556354, gnomAD 0.07%). This sequence change replaces alanine, which is neutral and non-polar, with threonine, which is neutral and polar, at codon 70 of the NDUFA13 protein (p.Ala70Thr).